The following is an entry in ClinVar:

ClinVar aggregate classification (germline): Uncertain significance (1 of 4 stars; one submission).

Conditions:
Cardiovascular phenotype. Identifiers: MedGen CN230736.

Submission:

Ambry Genetics
Classification: Uncertain significance for Cardiovascular phenotype. Last evaluated: 2024-05-06. Review status: criteria provided, single submitter. Criteria: Ambry Variant Classification Scheme 2023. Collection method: clinical testing. Allele origin: germline.
Comment: The p.L1395P variant (also known as c.4184T>C), located in coding exon 28 of the MYH6 gene, results from a T to C substitution at nucleotide position 4184. The leucine at codon 1395 is replaced by proline, an amino acid with similar properties. This amino acid position is conserved. In addition, this alteration is predicted to be deleterious by in silico analysis. Based on the available evidence, the clinical significance of this variant remains unclear.

NM_002471.4(MYH6):c.4184T>C (p.Leu1395Pro)

Gene: MYH6 (myosin heavy chain 6; minus strand). Cytogenetic location: 14q11.2.
Variant type: single nucleotide variant.
Coding change: c.4184T>C on transcript NM_002471.4 (MANE Select); coding-DNA position 4184, T replaced by C.
Protein change: p.Leu1395Pro; replaces leucine 1395 with proline.
Molecular consequence: missense variant.
Genome position (GRCh38, 1-based): chr14:23,388,330, A>G on the plus strand (T>C on the coding strand, the complement: MYH6 is on the minus strand). VCF-style: chr14-23388330-A-G. GRCh37 (hg19) VCF-style: chr14-23857539-A-G.
Other names: short protein forms L1395P.
Identifiers: ClinVar variation 3297489 (VCV003297489.1).